The following is an entry in ClinVar:

NM_001048174.2(MUTYH):c.713C>G (p.Ala238Gly)

Gene: MUTYH (mutY DNA glycosylase; minus strand). Cytogenetic location: 1p34.1.
Variant type: single nucleotide variant.
Coding change: c.713C>G on transcript NM_001048174.2 (MANE Select); coding-DNA position 713, C replaced by G.
Protein change: p.Ala238Gly; replaces alanine 238 with glycine.
Molecular consequence: missense variant. On other transcripts: non-coding transcript variant (2).
Genome position (GRCh38, 1-based): chr1:45,332,302, G>C on the plus strand (C>G on the coding strand, the complement: MUTYH is on the minus strand). VCF-style: chr1-45332302-G-C. GRCh37 (hg19) VCF-style: chr1-45797974-G-C.
Other names: c.713C>G, p.Ala238Gly (NM_001048171.2, NM_001048173.2, NM_001293195.2); c.716C>G, p.Ala239Gly (NM_001048172.2); c.797C>G, p.Ala266Gly (NM_001128425.2); c.758C>G, p.Ala253Gly (NM_001293190.2); c.746C>G, p.Ala249Gly (NM_001293191.2); c.437C>G, p.Ala146Gly (NM_001293192.2, NM_001293196.2); c.368C>G, p.Ala123Gly (NM_001350650.2, NM_001350651.2); c.788C>G, p.Ala263Gly (NM_012222.3); short protein forms A266G, A123G, A253G, A146G, A239G, A263G, A238G, A249G.
Identifiers: ClinVar variation 186750 (VCV000186750.27), dbSNP rs750344996, ClinGen allele CA014322.

ClinVar aggregate classification (germline): Conflicting classifications of pathogenicity. Review status: criteria provided, conflicting classifications (1 of 4 stars). 9 submissions from 9 submitters: Likely pathogenic (1); Uncertain significance (8). Last evaluated 2025-08-15.

Conditions:
Hereditary cancer-predisposing syndrome. Also called: Tumor predisposition; Neoplastic Syndromes, Hereditary; Hereditary neoplastic syndrome; Hereditary Cancer Syndrome. Identifiers: Orphanet 140162, MedGen C0027672, MeSH D009386, MONDO:0015356.
Familial adenomatous polyposis 2. Also called: COLORECTAL ADENOMATOUS POLYPOSIS, AUTOSOMAL RECESSIVE; ADENOMAS, MULTIPLE COLORECTAL, AUTOSOMAL RECESSIVE; FAP type 2; MYH-associated polyposis; MUTYH-related attenuated familial adenomatous polyposis; Adenomas, multiple colorectal. Identifiers: Orphanet 220460, Orphanet 247798, MedGen C3272841, MONDO:0012041, OMIM 608456.

Allele frequency attached by ClinVar (database versions not stated): TOPMed below 0.00001; ExAC 0.00001; gnomAD exomes 0.00001.
gnomAD v4.1: 4 of 1,614,098 alleles (0.00025%); highest among the groups gnomAD compares: Non-Finnish European, 0.00034%; no homozygotes.

Submissions (9):

Ambry Genetics
Classification: Likely pathogenic for Hereditary cancer-predisposing syndrome. Last evaluated: 2025-08-15. Review status: criteria provided, single submitter. Criteria: Ambry Variant Classification Scheme 2023. Collection method: clinical testing. Allele origin: germline.
Comment: The p.A266G variant (also known as c.797C>G), located in coding exon 10 of the MUTYH gene, results from a C to G substitution at nucleotide position 797. The alanine at codon 266 is replaced by glycine, an amino acid with similar properties. This alteration was reported as a variant of unknown signifcance in 1/1197 individuals from Greece, Romania, and Turkey undergoing evaluation for inherited cancer predisposition (Tsaousis GN et al. BMC Cancer, 2019 Jun;19:535). In a massively parallel cell-based functional assay testing 7,8-dihydro-8- oxoguanine:adenine (8OG:A) repair activity, a byproduct of oxidative damage, this variant was reported to be non-functional (Hemker SL et al. Am J Hum Genet. Published online July 29, 2025. DOI: 10.1016/j.ajhg.2025.07.005). This amino acid position is highly conserved in available vertebrate species. In addition, this alteration is predicted to be deleterious by in silico analysis. This variant is considered to be rare based on population cohorts in the Genome Aggregation Database (gnomAD). Based on the majority of available evidence to date, this variant is likely to be pathogenic.

GeneDx
Classification: Uncertain significance. Last evaluated: 2025-03-12. Review status: criteria provided, single submitter. Criteria: GeneDx Variant Classification Process June 2021. Collection method: clinical testing. Allele origin: germline.
Comment: Not observed at significant frequency in large population cohorts (gnomAD); In silico analysis supports that this missense variant has a deleterious effect on protein structure/function; Observed in individuals with a personal or family history of breast and/or ovarian cancer, as well as in unaffected control groups (PMID: 31159747, 33471991); This variant is associated with the following publications: (PMID: 33471991, 11092888, 11160897, 31159747)

Labcorp Genetics (formerly Invitae), Labcorp
Classification: Uncertain significance for Familial adenomatous polyposis 2. Last evaluated: 2024-12-23. Review status: criteria provided, single submitter. Criteria: Invitae Variant Classification Sherloc (09022015). Collection method: clinical testing. Allele origin: germline.
Comment: This sequence change replaces alanine, which is neutral and non-polar, with glycine, which is neutral and non-polar, at codon 266 of the MUTYH protein (p.Ala266Gly). This variant is present in population databases (rs750344996, gnomAD 0.002%). This missense change has been observed in individual(s) with clinical features of MUTYH-related conditions (PMID: 31159747; internal data). In at least one individual the data is consistent with being in trans (on the opposite chromosome) from a pathogenic variant. ClinVar contains an entry for this variant (Variation ID: 186750). An algorithm developed to predict the effect of missense changes on protein structure and function (PolyPhen-2) suggests that this variant is likely to be disruptive. In summary, the available evidence is currently insufficient to determine the role of this variant in disease. Therefore, it has been classified as a Variant of Uncertain Significance.

Blueprint Genetics
Classification: Uncertain significance. Last evaluated: 2024-11-18. Review status: criteria provided, single submitter. Criteria: ACMG Guidelines, 2015. Collection method: clinical testing. Allele origin: germline.

All of Us Research Program, National Institutes of Health
Classification: Uncertain significance for Familial adenomatous polyposis 2. Last evaluated: 2024-08-06. Review status: criteria provided, single submitter. Criteria: ACMG Guidelines, 2015. Collection method: clinical testing. Allele origin: germline. Inheritance: Autosomal recessive inheritance. Observed: 2 variant alleles, 2 heterozygotes.
Comment: This missense variant replaces alanine with glycine at codon 266 of the MUTYH protein. Computational prediction suggests that this variant may have deleterious impact on protein structure and function (internally defined REVEL score threshold >= 0.7, PMID: 27666373). To our knowledge, functional studies have not been reported for this variant. This variant has been reported in unknown phase with p.Glu466del in an individual affected with attenuated colorectal polyposis and in an individual undergoing evaluation for inherited cancer predisposition (PMID: 31159747). In an international breast cancer case-control meta-analysis, this variant was detected in 1/60466 cases and 1/53461 controls (PMID: 33471991). This variant has been identified in 2/249976 chromosomes in the general population by the Genome Aggregation Database (gnomAD). The available evidence is insufficient to determine the role of this variant in disease conclusively. Therefore, this variant is classified as a Variant of Uncertain Significance.

This study involves interpretation of variants in research participants for the purpose of population health screening. Participant phenotype was not available at the time of variant classification. Additional details can be found in publication PMID: 35346344, PMCID: PMC8962531

Baylor Genetics
Classification: Uncertain significance for Familial adenomatous polyposis 2. Last evaluated: 2023-08-02. Review status: criteria provided, single submitter. Criteria: ACMG Guidelines, 2015. Collection method: clinical testing. Allele origin: unknown.

Color Diagnostics, LLC DBA Color Health
Classification: Uncertain significance for Hereditary cancer-predisposing syndrome. Last evaluated: 2023-07-07. Review status: criteria provided, single submitter. Criteria: ACMG Guidelines, 2015. Collection method: clinical testing. Allele origin: germline.
Comment: This missense variant replaces alanine with glycine at codon 266 of the MUTYH protein. Computational prediction suggests that this variant may have deleterious impact on protein structure and function (internally defined REVEL score threshold >= 0.7, PMID: 27666373). To our knowledge, functional studies have not been reported for this variant. This variant has been reported in unknown phase with p.Glu466del in an individual affected with attenuated colorectal polyposis and in an individual undergoing evaluation for inherited cancer predisposition (PMID: 31159747). In an international breast cancer case-control meta-analysis, this variant was detected in 1/60466 cases and 1/53461 controls (PMID: 33471991). This variant has been identified in 2/249976 chromosomes in the general population by the Genome Aggregation Database (gnomAD). The available evidence is insufficient to determine the role of this variant in disease conclusively. Therefore, this variant is classified as a Variant of Uncertain Significance.

Sema4
Classification: Uncertain significance for Hereditary cancer-predisposing syndrome. Last evaluated: 2022-01-18. Review status: criteria provided, single submitter. Criteria: Sema4 Curation Guidelines. Collection method: curation. Allele origin: germline.
Comment: The MUTYH c.797C>G (p.A266G) variant has been reported in heterozygosity in at least one individual with breast cancer (PMID: 31159747). It has been reported in 1/60466 breast cancer cases and 1/53461 healthy controls by a large case-control study (PMID: 33471991). It was observed in 2/112750 chromosomes of the Non-Finnish European subpopulation in the large and broad cohorts of the Genome Aggregation Database (PMID: 32461654). This variant has been reported in ClinVar (Variation ID: 186750). In silico tools suggest the impact of the variant on protein function is deleterious, though these predictions have not been confirmed by functional studies. The evidence is insufficient to meet ACMG/AMP criteria for classifying the variant as benign or pathogenic. Thus, the clinical significance of this variant is currently uncertain.

GeneKor MSA
Classification: Uncertain significance for Hereditary cancer-predisposing syndrome. Last evaluated: 2018-08-01. Review status: criteria provided, single submitter. Criteria: ACMG Guidelines, 2015. Collection method: clinical testing. Allele origin: germline. Affected: yes.

Literature cited by the submitters: PubMed 31159747 (cited by 5 submitters); PubMed 40738107 (cited by Ambry Genetics); PubMed 33471991 (cited by 3 submitters).